The following is an entry in ClinVar:

ClinVar aggregate classification (germline): Uncertain significance (1 of 4 stars; one submission).

Conditions:
Nemaline myopathy 8 (NEM8). Also called: Nemaline myopathy 8, autosomal recessive. Identifiers: Orphanet 171430, MedGen C3809209, MONDO:0014138, OMIM 615348.

Submission:

Labcorp Genetics (formerly Invitae), Labcorp
Classification: Uncertain significance for Nemaline myopathy 8. Last evaluated: 2021-12-24. Review status: criteria provided, single submitter. Criteria: Invitae Variant Classification Sherloc (09022015). Collection method: clinical testing. Allele origin: germline.
Comment: In summary, the available evidence is currently insufficient to determine the role of this variant in disease. Therefore, it has been classified as a Variant of Uncertain Significance. Algorithms developed to predict the effect of missense changes on protein structure and function (SIFT, PolyPhen-2, Align-GVGD) all suggest that this variant is likely to be disruptive. This missense change has been observed in individuals with clinical features of nemaline myopathy (PMID: 23746549; Invitae). This variant is not present in population databases (gnomAD no frequency). This sequence change replaces valine, which is neutral and non-polar, with glutamic acid, which is acidic and polar, at codon 194 of the KLHL40 protein (p.Val194Glu).

Literature cited by the submitters: PubMed 23746549.

NM_152393.4(KLHL40):c.581T>A (p.Val194Glu)

Gene: KLHL40 (kelch like family member 40; plus strand). Cytogenetic location: 3p22.1.
Variant type: single nucleotide variant.
Coding change: c.581T>A on transcript NM_152393.4 (MANE Select); coding-DNA position 581, T replaced by A.
Protein change: p.Val194Glu; replaces valine 194 with glutamic acid.
Molecular consequence: missense variant.
Genome position (GRCh38, 1-based): chr3:42,686,199, T>A. VCF-style: chr3-42686199-T-A. GRCh37 (hg19) VCF-style: chr3-42727691-T-A.
Other names: short protein forms V194E.
Identifiers: ClinVar variation 1404256 (VCV001404256.6), dbSNP rs1250586231, ClinGen allele CA352289939.